The following is an entry in ClinVar:

ClinVar aggregate classification (germline): Pathogenic. Review status: criteria provided, multiple submitters, no conflicts (2 of 4 stars). 2 submissions from 2 submitters: Pathogenic (2). Last evaluated 2024-04-06.

Conditions:
Hereditary cancer-predisposing syndrome. Also called: Hereditary Cancer Syndrome; Neoplastic Syndromes, Hereditary; Tumor predisposition; Hereditary neoplastic syndrome. Identifiers: Orphanet 140162, MedGen C0027672, MeSH D009386, MONDO:0015356.
Familial cancer of breast. Also called: BREAST CANCER, FAMILIAL; Hereditary breast cancer; hereditary breast carcinoma. Identifiers: Orphanet 227535, MedGen C0346153, MONDO:0016419, OMIM 114480. Disease mechanism: loss of function.

Submissions (2):

Labcorp Genetics (formerly Invitae), Labcorp
Classification: Pathogenic for Familial cancer of breast. Last evaluated: 2024-04-06. Review status: criteria provided, single submitter. Criteria: Invitae Variant Classification Sherloc (09022015). Collection method: clinical testing. Allele origin: germline.
Comment: This sequence change creates a premature translational stop signal (p.Ser76Thrfs*19) in the BARD1 gene. It is expected to result in an absent or disrupted protein product. Loss-of-function variants in BARD1 are known to be pathogenic (PMID: 20077502, 21344236). This variant is not present in population databases (gnomAD no frequency). This premature translational stop signal has been observed in individual(s) with breast cancer (PMID: 28486781). This variant is also known as c.225delACTT. ClinVar contains an entry for this variant (Variation ID: 481396). For these reasons, this variant has been classified as Pathogenic.

Ambry Genetics
Classification: Pathogenic for Hereditary cancer-predisposing syndrome. Last evaluated: 2022-10-25. Review status: criteria provided, single submitter. Criteria: Ambry Variant Classification Scheme 2023. Collection method: clinical testing. Allele origin: germline.
Comment: The c.225_228delAAGT pathogenic mutation, located in coding exon 3 of the BARD1 gene, results from a deletion of 4 nucleotides at nucleotide positions 225 to 228, causing a translational frameshift with a predicted alternate stop codon. This alteration is expected to result in loss of function by premature protein truncation or nonsense-mediated mRNA decay. As such, this alteration is interpreted as a disease-causing mutation.

Literature cited by the submitters: PubMed 20077502 (cited by Labcorp Genetics (formerly Invitae), Labcorp); PubMed 21344236 (cited by Labcorp Genetics (formerly Invitae), Labcorp); PubMed 28486781 (cited by Labcorp Genetics (formerly Invitae), Labcorp).

NM_000465.4(BARD1):c.225_228del (p.Ser76fs)

Gene: BARD1 (BRCA1 associated RING domain 1; minus strand). Cytogenetic location: 2q35.
Variant type: Deletion.
Coding change: c.225_228del on transcript NM_000465.4 (MANE Select); coding-DNA positions 225 to 228, 4 bases deleted (AAGT; older notation c.225_228delAAGT).
Protein change: p.Ser76fs; shifts the reading frame from serine 76.
Molecular consequence: frameshift variant. On other transcripts: non-coding transcript variant (1), intron variant (2).
Genome position (GRCh38, 1-based): chr2:214,792,433-214,792,436, ACTT deleted on the plus strand (AAGT on the coding strand, the reverse complement: BARD1 is on the minus strand); deleting any 4 consecutive bases within chr2:214,792,433-214,792,438 gives the same sequence; the c. name uses the placement nearest the transcript's 3' end. VCF-style (leftmost placement, unchanged base first): chr2-214792432-CACTT-C. GRCh37 (hg19) VCF-style: chr2-215657156-CACTT-C.
Other names: c.168_171del, p.Ser57fs (NM_001282543.2); c.225_228del, p.Ser76fs (NM_001282549.2); c.158+16976_158+16979del (NM_001282548.2); c.215+4625_215+4628del (NM_001282545.2); short protein forms S57fs, S76fs.
Identifiers: ClinVar variation 481396 (VCV000481396.10), dbSNP rs1553624830, ClinGen allele CA658657216.